The following is an entry in ClinVar:

ClinVar aggregate classification (germline): Benign/Likely benign. Review status: criteria provided, multiple submitters, no conflicts (2 of 4 stars). 11 submissions from 11 submitters: Benign (4); Likely benign (4). 3 of the submissions do not count toward it. Last evaluated 2026-02-02.

Conditions:
SAMD9L-related disorder. Also called: SAMD9L-related disorders; SAMD9L-related condition.
Inborn genetic diseases. Identifiers: MedGen C0950123, MeSH D030342.

Allele frequency attached by ClinVar (database versions not stated): 1000 Genomes Project 30x 0.00016; gnomAD exomes 0.00221; gnomAD 0.00223 and 0.00218; ExAC 0.00247; ESP Exome Variant Server 0.00323; 1000 Genomes Project 0.00020; TOPMed 0.00210.
gnomAD v4.1: 5,741 of 1,614,026 alleles (0.36%); highest among the groups gnomAD compares: Non-Finnish European, 0.45%; 16 homozygotes.

Submissions (11):

Labcorp Genetics (formerly Invitae), Labcorp
Classification: Benign. Last evaluated: 2026-02-02. Review status: criteria provided, single submitter. Criteria: Invitae Variant Classification Sherloc (09022015). Collection method: clinical testing. Allele origin: germline.

Mayo Clinic Laboratories, Mayo Clinic
Classification: Benign. Last evaluated: 2025-08-11. Review status: criteria provided, single submitter. Criteria: ACMG Guidelines, 2015. Collection method: clinical testing. Allele origin: germline. Observed: 8 variant alleles.
Comment: BS1, BS2, BP4, BP7

Blueprint Genetics
Classification: Likely benign. Last evaluated: 2024-11-18. Review status: criteria provided, single submitter. Criteria: ACMG Guidelines, 2015. Collection method: clinical testing. Allele origin: germline.

Ambry Genetics
Classification: Likely benign for Inborn genetic diseases. Last evaluated: 2024-10-02. Review status: criteria provided, single submitter. Criteria: Ambry Variant Classification Scheme 2023. Collection method: clinical testing. Allele origin: germline.

ARUP Laboratories, Molecular Genetics and Genomics, ARUP Laboratories
Classification: Benign. Last evaluated: 2024-09-30. Review status: criteria provided, single submitter. Criteria: ARUP Molecular Germline Variant Investigation Process 2024. Collection method: clinical testing. Allele origin: germline.

CeGaT Center for Human Genetics Tuebingen
Classification: Likely benign. Last evaluated: 2023-08-01. Review status: criteria provided, single submitter. Criteria: CeGaT Center For Human Genetics Tuebingen Variant Classification Criteria Version 2. Collection method: clinical testing. Allele origin: germline. Affected: yes. Observed: 3 variant alleles.
Comment: SAMD9L: BP4, BP7, BS2

GeneDx
Classification: Likely benign. Last evaluated: 2021-04-12. Review status: criteria provided, single submitter. Criteria: GeneDx Variant Classification Process June 2021. Collection method: clinical testing. Allele origin: germline. Affected: yes.
Comment: Has not been previously published as pathogenic or benign to our knowledge; In silico analysis, which includes splice predictors and evolutionary conservation, suggests this variant may impact gene splicing. In the absence of RNA/functional studies, the actual effect of this sequence change is unknown.

Genetic Services Laboratory, University of Chicago
Classification: Benign. Last evaluated: 2020-11-05. Review status: criteria provided, single submitter. Criteria: ACMG Guidelines, 2015. Collection method: clinical testing. Allele origin: germline. Affected: no.

PreventionGenetics, part of Exact Sciences
Classification: Likely benign for SAMD9L-related condition. Last evaluated: 2020-02-11. Review status: no assertion criteria provided. Collection method: clinical testing. Allele origin: germline. Not counted in ClinVar's aggregate classification.
Comment: This variant is classified as likely benign based on ACMG/AMP sequence variant interpretation guidelines (Richards et al. 2015 PMID: 25741868, with internal and published modifications).

Clinical Genetics DNA and cytogenetics Diagnostics Lab, Erasmus MC, Erasmus Medical Center
Classification: Likely benign. Review status: no assertion criteria provided. Collection method: clinical testing. Allele origin: germline. Affected: yes. Study: VKGL Data-share Consensus. Not counted in ClinVar's aggregate classification.

Genome Diagnostics Laboratory, University Medical Center Utrecht
Classification: Likely benign. Review status: no assertion criteria provided. Collection method: clinical testing. Allele origin: germline. Affected: yes. Study: VKGL Data-share Consensus. Not counted in ClinVar's aggregate classification.

NM_152703.5(SAMD9L):c.1503A>G (p.Arg501=)

Gene: SAMD9L (sterile alpha motif domain containing 9 like; minus strand). Cytogenetic location: 7q21.2.
Variant type: single nucleotide variant.
Coding change: c.1503A>G on transcript NM_152703.5 (MANE Select); coding-DNA position 1503, A replaced by G.
Protein change: p.Arg501=; no amino-acid change (arginine 501 retained).
Molecular consequence: synonymous variant.
Genome position (GRCh38, 1-based): chr7:93,134,469, T>C on the plus strand (A>G on the coding strand, the complement: SAMD9L is on the minus strand). VCF-style: chr7-93134469-T-C. GRCh37 (hg19) VCF-style: chr7-92763782-T-C.
Other names: p.Arg501=; c.1503A>G, p.Arg501= (NM_001303496.3, NM_001303497.3, NM_001303498.3 and 5 more transcripts); c.1503A>G (NM_152703.2).
Identifiers: ClinVar variation 708671 (VCV000708671.47), dbSNP rs75446743, ClinGen allele CA4343718.